The following is an entry in ClinVar:

NM_007194.4(CHEK2):c.208del (p.Glu70fs)

Gene: CHEK2 (checkpoint kinase 2; minus strand). Cytogenetic location: 22q12.1.
Variant type: Deletion.
Coding change: c.208del on transcript NM_007194.4 (MANE Select); coding-DNA position 208, one base deleted (G; older notation c.208delG).
Protein change: p.Glu70fs; shifts the reading frame from glutamic acid 70.
Molecular consequence: frameshift variant.
Genome position (GRCh38, 1-based): chr22:28,734,514, C deleted on the plus strand (G on the coding strand, the reverse complement: CHEK2 is on the minus strand); the first of 2 consecutive C bases (chr22:28,734,514-28,734,515); deleting either gives the same sequence. VCF-style (leftmost placement, unchanged base first): chr22-28734513-TC-T. GRCh37 (hg19) VCF-style: chr22-29130501-TC-T.
Other names: c.207delG, p.Glu70Asnfs (NM_001005735.3, NM_001349956.3, NM_145862.3); c.-571delG (NM_001257387.3); short protein forms E70fs.
Identifiers: ClinVar variation 1331150 (VCV001331150.2), dbSNP rs2146147510, ClinGen allele CA2573054992.
Genomic context (GRCh38, chr22:28,734,513, plus strand): 5'-GGGGTAGGCTCCTCAGGTTCTTGGTCCTCAGGTTCTTGGTCCTCAGGAATAGAATAGAGT[TC>T]CTGAGTGGACACTGTCTCTAAGGAGCTCAGTGTCCCAGAGCTGGAGTGAGAGGACTGGCT-3'

ClinVar aggregate classification (germline): Likely pathogenic (1 of 4 stars; one submission).

Submission:

GeneDx
Classification: Likely pathogenic. Last evaluated: 2021-12-29. Review status: criteria provided, single submitter. Criteria: GeneDx Variant Classification Process June 2021. Collection method: clinical testing. Allele origin: germline. Affected: yes.
Comment: Frameshift variant predicted to result in protein truncation or nonsense mediated decay in a gene for which loss-of-function is a known mechanism of disease; Not observed in large population cohorts (Lek 2016); Has not been previously published as pathogenic or benign to our knowledge